The following is an entry in ClinVar:

NM_030973.4(MED25):c.247C>G (p.Gln83Glu)

Gene: MED25 (mediator complex subunit 25; plus strand). Cytogenetic location: 19q13.33.
Variant type: single nucleotide variant.
Coding change: c.247C>G on transcript NM_030973.4 (MANE Select); coding-DNA position 247, C replaced by G.
Protein change: p.Gln83Glu; replaces glutamine 83 with glutamic acid.
Molecular consequence: missense variant.
Genome position (GRCh38, 1-based): chr19:49,819,238, C>G. VCF-style: chr19-49819238-C-G. GRCh37 (hg19) VCF-style: chr19-50322495-C-G.
Other names: c.247C>G, p.Gln83Glu (NM_001378355.1); short protein forms Q83E.
Identifiers: ClinVar variation 220541 (VCV000220541.9), dbSNP rs143148835, ClinGen allele CA349699.
Genomic context (GRCh38, chr19:49,819,238, plus strand): 5'-GGGACCCAGTACAGCCTCGTGGTGTTCAACACAGTGGACTGCGCTCCCGAGTCCTACGTA[C>G]AATGTCACGCTCCCACCAGCAGCGCCTATGAGTTTGTCACCTGGCTCGATGGCATTAAGT-3'
Protein context (NP_112235.2, residues 73-93): TVDCAPESYV[Gln83Glu]CHAPTSSAYE

ClinVar aggregate classification (germline): Uncertain significance. Review status: criteria provided, multiple submitters, no conflicts (2 of 4 stars). 3 submissions from 3 submitters: Uncertain significance (3). Last evaluated 2026-01-05.

Conditions:
Charcot-Marie-Tooth disease. Also called: Charcot-Marie-Tooth Neuropathy; Charcot-Marie-Tooth Hereditary Neuropathy. Identifiers: Orphanet 166, MedGen C0007959, MONDO:0015626.
Charcot-Marie-Tooth disease type 2. Also called: Charcot-Marie-Tooth type 2. Identifiers: Orphanet 64746, MedGen C0270914, MONDO:0018993.
Inborn genetic diseases. Identifiers: MedGen C0950123, MeSH D030342.

Allele frequency attached by ClinVar (database versions not stated): gnomAD exomes 0.00018 and 0.00027; ExAC 0.00020; ESP Exome Variant Server 0.00008; TOPMed 0.00011.

Submissions (3):

Labcorp Genetics (formerly Invitae), Labcorp
Classification: Uncertain significance for Charcot-Marie-Tooth disease type 2. Last evaluated: 2026-01-05. Review status: criteria provided, single submitter. Criteria: Invitae Variant Classification Sherloc (09022015). Collection method: clinical testing. Allele origin: germline.
Comment: This sequence change replaces glutamine, which is neutral and polar, with glutamic acid, which is acidic and polar, at codon 83 of the MED25 protein (p.Gln83Glu). This variant is present in population databases (rs143148835, gnomAD 0.04%). This missense change has been observed in individual(s) with Charcot-Marie-Tooth disease (PMID: 32376792). ClinVar contains an entry for this variant (Variation ID: 220541). An algorithm developed to predict the effect of missense changes on protein structure and function (PolyPhen-2) suggests that this variant is likely to be disruptive. In summary, the available evidence is currently insufficient to determine the role of this variant in disease. Therefore, it has been classified as a Variant of Uncertain Significance.

Ambry Genetics
Classification: Uncertain significance for Inborn genetic diseases. Last evaluated: 2022-05-10. Review status: criteria provided, single submitter. Criteria: Ambry Variant Classification Scheme 2023. Collection method: clinical testing. Allele origin: germline.

Molecular Genetics Laboratory, London Health Sciences Centre
Classification: Uncertain significance for Charcot-Marie-Tooth disease. Review status: criteria provided, single submitter. Criteria: ACMG Guidelines, 2015. Collection method: clinical testing. Allele origin: germline. Affected: yes.

Literature cited by the submitters: PubMed 32376792 (cited by Labcorp Genetics (formerly Invitae), Labcorp).